The following is an entry in ClinVar:

ClinVar aggregate classification (germline): Likely pathogenic (1 of 4 stars; one submission).

Conditions:
Retinitis pigmentosa 12 (RP12). Also called: RP WITH OR WITHOUT PRESERVED PARAARTERIOLE RETINAL PIGMENT EPITHELIUM; RETINITIS PIGMENTOSA WITH OR WITHOUT PARAARTERIOLAR PRESERVATION OF RETINAL PIGMENT EPITHELIUM; RP WITH OR WITHOUT PPRPE. Identifiers: Orphanet 791, MedGen C1838647, MONDO:0010818, OMIM 600105.
Leber congenital amaurosis 8 (LCA8). Identifiers: Orphanet 65, MedGen C3151202, MONDO:0013453, OMIM 613835.

Allele frequency attached by ClinVar (database versions not stated): gnomAD exomes below 0.00001; TOPMed below 0.00001.
gnomAD v4.1: 1 of 1,614,162 alleles (0.000062%); highest among the groups gnomAD compares: African/African-American, 0.0013%; no homozygotes.

Submission:

Labcorp Genetics (formerly Invitae), Labcorp
Classification: Likely pathogenic for Leber congenital amaurosis 8; Retinitis pigmentosa 12. Last evaluated: 2022-11-15. Review status: criteria provided, single submitter. Criteria: Invitae Variant Classification Sherloc (09022015). Collection method: clinical testing. Allele origin: germline.
Comment: In summary, the currently available evidence indicates that the variant is pathogenic, but additional data are needed to prove that conclusively. Therefore, this variant has been classified as Likely Pathogenic. This variant disrupts the p.Gly477 amino acid residue in CRB1. Other variant(s) that disrupt this residue have been determined to be pathogenic (PMID: 21757580, 24715753, 29200130). This suggests that this residue is clinically significant, and that variants that disrupt this residue are likely to be disease-causing. Advanced modeling of protein sequence and biophysical properties (such as structural, functional, and spatial information, amino acid conservation, physicochemical variation, residue mobility, and thermodynamic stability) performed at Invitae indicates that this missense variant is expected to disrupt CRB1 protein function. ClinVar contains an entry for this variant (Variation ID: 1468683). This missense change has been observed in individual(s) with retinitis pigmentosa (Invitae). This variant is present in population databases (no rsID available, gnomAD 0.007%). This sequence change replaces glycine, which is neutral and non-polar, with valine, which is neutral and non-polar, at codon 477 of the CRB1 protein (p.Gly477Val).

Literature cited by the submitters: PubMed 21757580; PubMed 24715753; PubMed 29200130.

NM_201253.3(CRB1):c.1430G>T (p.Gly477Val)

Gene: CRB1 (crumbs cell polarity complex component 1; plus strand). Cytogenetic location: 1q31.3.
Variant type: single nucleotide variant.
Coding change: c.1430G>T on transcript NM_201253.3 (MANE Select); coding-DNA position 1430, G replaced by T.
Protein change: p.Gly477Val; replaces glycine 477 with valine.
Molecular consequence: missense variant. On other transcripts: non-coding transcript variant (2).
Genome position (GRCh38, 1-based): chr1:197,421,258, G>T. VCF-style: chr1-197421258-G-T. GRCh37 (hg19) VCF-style: chr1-197390388-G-T.
Other names: c.1094G>T, p.Gly365Val (NM_001193640.2); c.1223G>T, p.Gly408Val (NM_001257965.2); c.1430G>T, p.Gly477Val (NM_001257966.2); short protein forms G408V, G477V, G365V.
Identifiers: ClinVar variation 1468683 (VCV001468683.6), dbSNP rs1277758473, ClinGen allele CA344030877.
Genomic context (GRCh38, chr1:197,421,258, plus strand): 5'-TCCCTCACTTCCAAGATGGCCAGCATGGATTCAGCTGCCTATGTCCATCTGGCTACACCG[G>T]GTCCCTGTGTGAAATCGCAACCACACTTTCATTTGAGGGCGATGGCTTCCTGTGGGTCAA-3'
Protein context (NP_957705.1, residues 467-487): FSCLCPSGYT[Gly477Val]SLCEIATTLS